The following is an entry in ClinVar:

NM_006231.4(POLE):c.6068C>A (p.Thr2023Asn)

Gene: POLE (DNA polymerase epsilon, catalytic subunit; minus strand). Cytogenetic location: 12q24.33.
Variant type: single nucleotide variant.
Coding change: c.6068C>A on transcript NM_006231.4 (MANE Select); coding-DNA position 6068, C replaced by A.
Protein change: p.Thr2023Asn; replaces threonine 2023 with asparagine.
Molecular consequence: missense variant.
Genome position (GRCh38, 1-based): chr12:132,632,732, G>T on the plus strand (C>A on the coding strand, the complement: POLE is on the minus strand). VCF-style: chr12-132632732-G-T. GRCh37 (hg19) VCF-style: chr12-133209318-G-T.
Other names: c.6068C>A (NM_006231.2); short protein forms T2023N.
Identifiers: ClinVar variation 619906 (VCV000619906.23), dbSNP rs771628123, ClinGen allele CA6892290.
Genomic context (GRCh38, chr12:132,632,732, plus strand): 5'-GCTCCGACCGCCCCCTCGGCCTCCTGGGAGAGCTGGCTGGCCCCCCTCCTCCTCACGGGG[G>T]TGCTCCCTGGAGCACTGCGCCTCAGCCCGTCCTTCATGCAGTGGTACACGGCCACGATGT-3'
Protein context (NP_006222.2, residues 2013-2033): DGLRRSAPGS[Thr2023Asn]PVRRRGASQL

ClinVar aggregate classification (germline): Uncertain significance. Review status: criteria provided, multiple submitters, no conflicts (2 of 4 stars). 8 submissions from 7 submitters: Uncertain significance (8). Last evaluated 2025-10-07.

Conditions:
Colorectal cancer, susceptibility to, 12 (CRCS12). Also called: COLORECTAL CANCER, SUSCEPTIBILITY TO, ON CHROMOSOME 12q24. Identifiers: Orphanet 220460, MedGen C3554460, MONDO:0014038, OMIM 615083.
Facial dysmorphism-immunodeficiency-livedo-short stature syndrome. Also called: Facial dysmorphism, immunodeficiency, livedo, and short stature; FILS syndrome. Identifiers: Orphanet 352712, MedGen C3554576, MONDO:0014058, OMIM 615139.
Intrauterine growth retardation, metaphyseal dysplasia, adrenal hypoplasia congenita, genital anomalies, and immunodeficiency. Also called: IMAGEI SYNDROME. Identifiers: MedGen C5193036, MONDO:0032684, OMIM 618336.
Hereditary cancer-predisposing syndrome. Also called: Tumor predisposition; Hereditary Cancer Syndrome; Neoplastic Syndromes, Hereditary; Hereditary neoplastic syndrome. Identifiers: Orphanet 140162, MedGen C0027672, MeSH D009386, MONDO:0015356.

Allele frequency attached by ClinVar (database versions not stated): ExAC 0.00002; TOPMed 0.00002.
gnomAD v4.1: 9 of 1,613,464 alleles (0.00056%); highest among the groups gnomAD compares: Admixed American, 0.0067%; no homozygotes.

Submissions (8):

Labcorp Genetics (formerly Invitae), Labcorp
Classification: Uncertain significance. Last evaluated: 2025-10-07. Review status: criteria provided, single submitter. Criteria: Invitae Variant Classification Sherloc (09022015). Collection method: clinical testing. Allele origin: germline.
Comment: This sequence change replaces threonine, which is neutral and polar, with asparagine, which is neutral and polar, at codon 2023 of the POLE protein (p.Thr2023Asn). This variant is present in population databases (rs771628123, gnomAD 0.006%). This variant has not been reported in the literature in individuals affected with POLE-related conditions. ClinVar contains an entry for this variant (Variation ID: 619906). An algorithm developed to predict the effect of missense changes on protein structure and function (PolyPhen-2) suggests that this variant is likely to be disruptive. In summary, the available evidence is currently insufficient to determine the role of this variant in disease. Therefore, it has been classified as a Variant of Uncertain Significance.

Women's Health and Genetics/Laboratory Corporation of America, LabCorp
Classification: Uncertain significance. Last evaluated: 2025-05-08. Review status: criteria provided, single submitter. Criteria: LabCorp Variant Classification Summary - May 2015. Collection method: clinical testing. Allele origin: germline.

Ambry Genetics
Classification: Uncertain significance for Hereditary cancer-predisposing syndrome. Last evaluated: 2024-12-04. Review status: criteria provided, single submitter. Criteria: Ambry Variant Classification Scheme 2023. Collection method: clinical testing. Allele origin: germline.
Comment: The p.T2023N variant (also known as c.6068C>A), located in coding exon 44 of the POLE gene, results from a C to A substitution at nucleotide position 6068. The threonine at codon 2023 is replaced by asparagine, an amino acid with similar properties. This amino acid position is highly conserved in available vertebrate species. In addition, this alteration is predicted to be tolerated by in silico analysis. Based on the available evidence, the clinical significance of this variant remains unclear.

Fulgent Genetics
Classification: Uncertain significance for Colorectal cancer, susceptibility to, 12; Facial dysmorphism-immunodeficiency-livedo-short stature syndrome; Intrauterine growth retardation, metaphyseal dysplasia, adrenal hypoplasia congenita, genital anomalies, and immunodeficiency. Last evaluated: 2024-05-04. Review status: criteria provided, single submitter. Criteria: ACMG Guidelines, 2015. Collection method: clinical testing. Allele origin: germline.

GeneDx
Classification: Uncertain significance. Last evaluated: 2023-09-06. Review status: criteria provided, single submitter. Criteria: GeneDx Variant Classification Process June 2021. Collection method: clinical testing. Allele origin: germline. Affected: yes.
Comment: Not observed at significant frequency in large population cohorts (gnomAD); In silico analysis supports that this missense variant does not alter protein structure/function; Has not been previously published as pathogenic or benign to our knowledge; This variant is associated with the following publications: (PMID: 29056344)

Quest Diagnostics Nichols Institute San Juan Capistrano
Classification: Uncertain significance. Last evaluated: 2018-04-07. Review status: criteria provided, single submitter. Criteria: Quest Diagnostics criteria. Collection method: clinical testing. Allele origin: germline.

Center for Genomics, Ann and Robert H. Lurie Children's Hospital of Chicago
Classification: Uncertain significance for Facial dysmorphism-immunodeficiency-livedo-short stature syndrome. Last evaluated: 2018-03-13. Review status: criteria provided, single submitter. Criteria: ACMG Guidelines, 2015. Collection method: clinical testing. Allele origin: germline.
Comment: POLE NM_006231.3 exon 44 p.Thr2023Asn (c.6068C>A): This variant has not been reported in the literature but is present in 2/33552 Latino alleles in the Genome Aggregation Database. Evolutionary conservation and computational predictive tools for this variant are unclear. In summary, data on this variant is insufficient for disease classification. Therefore, the clinical significance of this variant is uncertain.

Center for Genomics, Ann and Robert H. Lurie Children's Hospital of Chicago
Classification: Uncertain significance for Colorectal cancer, susceptibility to, 12; Facial dysmorphism-immunodeficiency-livedo-short stature syndrome; Intrauterine growth retardation, metaphyseal dysplasia, adrenal hypoplasia congenita, genital anomalies, and immunodeficiency. Review status: criteria provided, single submitter. Criteria: ACMG Guidelines, 2015. Collection method: clinical testing. Allele origin: germline.
Comment: the same text as in the submission from Center for Genomics, Ann and Robert H. Lurie Children's Hospital of Chicago above.